The following is an entry in ClinVar:

NM_001005242.3(PKP2):c.1144T>C (p.Phe382Leu)

Gene: PKP2 (plakophilin 2; minus strand). Cytogenetic location: 12p11.21.
Variant type: single nucleotide variant.
Coding change: c.1144T>C on transcript NM_001005242.3 (MANE Select); coding-DNA position 1144, T replaced by C.
Protein change: p.Phe382Leu; replaces phenylalanine 382 with leucine.
Molecular consequence: missense variant.
Genome position (GRCh38, 1-based): chr12:32,868,953, A>G on the plus strand (T>C on the coding strand, the complement: PKP2 is on the minus strand). VCF-style: chr12-32868953-A-G. GRCh37 (hg19) VCF-style: chr12-33021887-A-G.
Other names: c.1144T>C, p.Phe382Leu (NM_004572.4); short protein forms F382L.
Identifiers: ClinVar variation 925845 (VCV000925845.5), dbSNP rs753839199, ClinGen allele CA027136.

ClinVar aggregate classification (germline): Uncertain significance (1 of 4 stars; one submission).

Conditions:
Cardiomyopathy (CMYO). Also called: Cardiomyopathies. Identifiers: Orphanet 167848, MedGen C0878544, MONDO:0004994, HP:0001638. Inheritance: Various modes of inheritance.

Allele frequency attached by ClinVar (database versions not stated): gnomAD exomes 0.00001 and 0.00002; TOPMed 0.00001; ExAC 0.00002.
gnomAD v4.1: 5 of 1,613,612 alleles (0.00031%); highest among the groups gnomAD compares: South Asian, 0.0055%; no homozygotes.

Submission:

Color Diagnostics, LLC DBA Color Health
Classification: Uncertain significance for Cardiomyopathy. Last evaluated: 2024-03-06. Review status: criteria provided, single submitter. Criteria: ACMG Guidelines, 2015. Collection method: clinical testing. Allele origin: germline.
Comment: This missense variant replaces phenylalanine with leucine at codon 382 of the PKP2 protein. Computational prediction suggests that this variant may not impact protein structure and function (internally defined REVEL score threshold <= 0.5, PMID: 27666373). To our knowledge, functional studies have not been reported for this variant. This variant has not been reported in individuals affected with cardiovascular disorders in the literature. This variant has been identified in 4/251376 chromosomes in the general population by the Genome Aggregation Database (gnomAD). The available evidence is insufficient to determine the role of this variant in disease conclusively. Therefore, this variant is classified as a Variant of Uncertain Significance.